The following is an entry in ClinVar:

ClinVar aggregate classification (germline): Uncertain significance (1 of 4 stars; one submission).

Conditions:
Epidermolysis bullosa simplex 5B, with muscular dystrophy (EBS5B). Also called: Epidermolysis bullosa simplex with muscular dystrophy; EPIDERMOLYSIS BULLOSA SIMPLEX AND LIMB-GIRDLE MUSCULAR DYSTROPHY. Identifiers: Orphanet 257, MedGen C2931072, MONDO:0009181, OMIM 226670.
Epidermolysis bullosa simplex, Ogna type (EBS5A). Also called: Pidermolysis bullosa simplex 5A, Ogna type; EPIDERMOLYSIS BULLOSA SIMPLEX 5A, OGNA TYPE. Identifiers: Orphanet 79401, MedGen C0432317, MONDO:0007555, OMIM 131950.
Epidermolysis bullosa simplex 5C, with pyloric atresia (EBS5C). Also called: PLEC-Related Epidermolysis Bullosa with Pyloric Atresia; Epidermolysis bullosa simplex with pyloric atresia; PLEC1-Related Epidermolysis Bullosa with Pyloric Atresia. Identifiers: Orphanet 158684, MedGen C2677349, MONDO:0012807, OMIM 612138.
Autosomal recessive limb-girdle muscular dystrophy type 2Q (LGMDR17). Also called: MUSCULAR DYSTROPHY, LIMB-GIRDLE, AUTOSOMAL RECESSIVE 17. Identifiers: Orphanet 254361, MedGen C3150989, MONDO:0013390, OMIM 613723.
Epidermolysis bullosa simplex with nail dystrophy (EBS5D). Identifiers: MedGen C4225309, MONDO:0014661, OMIM 616487.

Allele frequency attached by ClinVar (database versions not stated): gnomAD exomes below 0.00001 and 0.00001; gnomAD 0.00001; TOPMed 0.00001.
gnomAD v4.1: 6 of 1,612,164 alleles (0.00037%); highest among the groups gnomAD compares: African/African-American, 0.0053%; no homozygotes.

Submission:

Labcorp Genetics (formerly Invitae), Labcorp
Classification: Uncertain significance for Autosomal recessive limb-girdle muscular dystrophy type 2Q; Epidermolysis bullosa simplex, Ogna type; Epidermolysis bullosa simplex with nail dystrophy; Epidermolysis bullosa simplex 5C, with pyloric atresia; Epidermolysis bullosa simplex 5B, with muscular dystrophy. Last evaluated: 2022-07-12. Review status: criteria provided, single submitter. Criteria: Invitae Variant Classification Sherloc (09022015). Collection method: clinical testing. Allele origin: germline.
Comment: This variant has not been reported in the literature in individuals affected with PLEC-related conditions. ClinVar contains an entry for this variant (Variation ID: 1002765). Algorithms developed to predict the effect of missense changes on protein structure and function (SIFT, PolyPhen-2, Align-GVGD) all suggest that this variant is likely to be disruptive. In summary, the available evidence is currently insufficient to determine the role of this variant in disease. Therefore, it has been classified as a Variant of Uncertain Significance. This variant is present in population databases (no rsID available, gnomAD 0.01%). This sequence change replaces threonine, which is neutral and polar, with asparagine, which is neutral and polar, at codon 3461 of the PLEC protein (p.Thr3461Asn).

NM_201384.3(PLEC):c.10301C>A (p.Thr3434Asn)

Gene: PLEC (plectin; minus strand). Cytogenetic location: 8q24.3.
Variant type: single nucleotide variant.
Coding change: c.10301C>A on transcript NM_201384.3 (MANE Select); coding-DNA position 10301, C replaced by A.
Protein change: p.Thr3434Asn; replaces threonine 3434 with asparagine.
Molecular consequence: missense variant.
Genome position (GRCh38, 1-based): chr8:143,919,520, G>T on the plus strand (C>A on the coding strand, the complement: PLEC is on the minus strand). VCF-style: chr8-143919520-G-T. GRCh37 (hg19) VCF-style: chr8-144993688-G-T.
Other names: c.10235C>A, p.Thr3412Asn (NM_201379.3); c.10712C>A, p.Thr3571Asn (NM_201380.4); c.10205C>A, p.Thr3402Asn (NM_201381.3); c.10301C>A, p.Thr3434Asn (NM_201382.4); c.10313C>A, p.Thr3438Asn (NM_201383.3); c.10382C>A, p.Thr3461Asn (NM_000445.5); c.10259C>A, p.Thr3420Asn (NM_201378.4); short protein forms T3402N, T3412N, T3420N, T3434N, T3438N, T3461N, T3571N.
Identifiers: ClinVar variation 1002765 (VCV001002765.9), dbSNP rs1315645477, ClinGen allele CA372500418.